The following is an entry in ClinVar:

ClinVar aggregate classification (germline): Pathogenic. Review status: criteria provided, multiple submitters, no conflicts (2 of 4 stars). 8 submissions from 8 submitters: Pathogenic (5). 3 of the submissions do not count toward it. Last evaluated 2024-12-17.

Conditions:
AHI1-related disorder. Also called: AHI1-related condition.
Joubert syndrome with ocular defect. Identifiers: Orphanet 220493, MedGen C4274118, MONDO:0016364.
Type 2 diabetes mellitus. Also called: Type II diabetes mellitus. Identifiers: MedGen C0011860, MeSH D003924, MONDO:0005148, OMIM 125853, HP:0005978.
Joubert syndrome 3 (JBTS3). Also called: AHI1-related Ciliopathy. Identifiers: Orphanet 220493, MedGen C1837713, MONDO:0012078, OMIM 608629.
Joubert syndrome. Also called: JOUBERT-BOLTSHAUSER SYNDROME; Familial aplasia of the vermis. Identifiers: Orphanet 475, MedGen C5979921, MONDO:0018772.

Allele frequency attached by ClinVar (database versions not stated): TOPMed below 0.00001; gnomAD 0.00001; gnomAD exomes below 0.00001.
gnomAD v4.1: 24 of 1,613,728 alleles (0.0015%); highest among the groups gnomAD compares: Non-Finnish European, 0.0019%; no homozygotes.

Submissions (8):

Myriad Genetics, Inc.
Classification: Pathogenic for Joubert syndrome 3. Last evaluated: 2024-12-17. Review status: criteria provided, single submitter. Criteria: Myriad Autosomal Dominant, Autosomal Recessive and X-Linked Classification Criteria (2023). Collection method: clinical testing. Allele origin: unknown.
Comment: NM_001134831.1(AHI1):c.985C>T(R329*) is expected to be pathogenic in the context of Joubert syndrome, AHI1-related. This variant is predicted to lead to an abnormal or absent protein product due to the creation of a premature termination codon in AHI1, a gene where loss-of-function variants are known to be pathogenic. Please note: this variant was assessed in the context of healthy population screening.

Fulgent Genetics
Classification: Pathogenic for Joubert syndrome 3. Last evaluated: 2024-05-07. Review status: criteria provided, single submitter. Criteria: ACMG Guidelines, 2015. Collection method: clinical testing. Allele origin: germline.

Labcorp Genetics (formerly Invitae), Labcorp
Classification: Pathogenic for Joubert syndrome. Last evaluated: 2024-02-24. Review status: criteria provided, single submitter. Criteria: Invitae Variant Classification Sherloc (09022015). Collection method: clinical testing. Allele origin: germline.
Comment: This sequence change creates a premature translational stop signal (p.Arg329*) in the AHI1 gene. It is expected to result in an absent or disrupted protein product. Loss-of-function variants in AHI1 are known to be pathogenic (PMID: 15322546, 16453322, 28442542, 29186038). This variant is present in population databases (rs201391050, gnomAD 0.0009%). This premature translational stop signal has been observed in individual(s) with Joubert syndrome (PMID: 18054307, 21937992). ClinVar contains an entry for this variant (Variation ID: 30760). Algorithms developed to predict the effect of sequence changes on RNA splicing suggest that this variant may disrupt the consensus splice site. For these reasons, this variant has been classified as Pathogenic.

Blueprint Genetics
Classification: Pathogenic for AHI1-related disorders. Last evaluated: 2019-04-02. Review status: criteria provided, single submitter. Criteria: ACMG Guidelines, 2015. Collection method: clinical testing. Allele origin: germline. Affected: yes. Observed: 3 variant alleles.

GeneDx
Classification: Pathogenic. Last evaluated: 2015-03-14. Review status: criteria provided, single submitter. Criteria: GeneDx Variant Classification (06012015). Collection method: clinical testing. Allele origin: germline. Affected: yes.
Comment: The R329X nonsense variant in the AHI1 gene has been reported previously in a patient with Joubert syndrome who also harbored a second AHI1 mutation (Kroes et al., 2008). It was not observed in approximately 6,000 individuals of European and African American ancestry in the NHLBI Exome Sequencing Project, indicating it is not a common benign variant in these populations. This variant is predicted to cause loss of normal protein function either through protein truncation or nonsense-mediated mRNA decay.

Gene Friend Way, National Innovation Center
Classification: Pathogenic for Type 2 diabetes mellitus. Last evaluated: 2025-01-01. Review status: no assertion criteria provided. Collection method: clinical testing. Allele origin: unknown. Affected: yes. Observed: 1 variant allele. Not counted in ClinVar's aggregate classification.
Comment: This variant creates a premature translational stop signal (p.Arg329*) in the AHI1 gene, results in an absent or disrupted protein product. Loss-of-function variants in AHI1 are known to be pathogenic (PMID: 15322546, 16453322, 28442542, 29186038). AHI1 mediates feeding behavior contributing to glucose metabolism regulation as well as energy metabolism (PMID: 22123816) and its variants have been reported to be associated with type 2 diabetes (PMID: 22285701, 17668382).

OMIM
Classification: Pathogenic for JOUBERT SYNDROME 3. Last evaluated: 2011-09-21. Review status: no assertion criteria provided. Collection method: literature only. Allele origin: germline. Not counted in ClinVar's aggregate classification.

Laboratory of Genetics in Ophthalmology, Institut Imagine
Classification: Pathogenic for Joubert syndrome with ocular defect. Review status: no assertion criteria provided. Collection method: research. Allele origin: inherited. Affected: yes. Observed: 1 variant allele. Not counted in ClinVar's aggregate classification.

Literature cited by the submitters: PubMed 15322546 (cited by Labcorp Genetics (formerly Invitae), Labcorp and Gene Friend Way, National Innovation Center); PubMed 16453322 (cited by Labcorp Genetics (formerly Invitae), Labcorp and Gene Friend Way, National Innovation Center); PubMed 28442542 (cited by Labcorp Genetics (formerly Invitae), Labcorp and Gene Friend Way, National Innovation Center); PubMed 29186038 (cited by Labcorp Genetics (formerly Invitae), Labcorp and Gene Friend Way, National Innovation Center); PubMed 18054307 (cited by Labcorp Genetics (formerly Invitae), Labcorp and Laboratory of Genetics in Ophthalmology, Institut Imagine); PubMed 21937992 (cited by 3 submitters); PubMed 22123816 (cited by Gene Friend Way, National Innovation Center); PubMed 22285701 (cited by Gene Friend Way, National Innovation Center); PubMed 17668382 (cited by Gene Friend Way, National Innovation Center); PubMed 25525159 (cited by Laboratory of Genetics in Ophthalmology, Institut Imagine).

NM_001134831.2(AHI1):c.985C>T (p.Arg329Ter)

Gene: AHI1 (Abelson helper integration site 1; minus strand). Cytogenetic location: 6q23.3.
Variant type: single nucleotide variant.
Coding change: c.985C>T on transcript NM_001134831.2 (MANE Select); coding-DNA position 985, C replaced by T.
Protein change: p.Arg329Ter; replaces arginine 329 with a stop codon.
Molecular consequence: nonsense.
Genome position (GRCh38, 1-based): chr6:135,457,660, G>A on the plus strand (C>T on the coding strand, the complement: AHI1 is on the minus strand). VCF-style: chr6-135457660-G-A. GRCh37 (hg19) VCF-style: chr6-135778798-G-A.
Other names: c.985C>T, p.Arg329Ter (NM_001134830.2, NM_001134832.2, NM_001350503.2 and 2 more transcripts); short protein forms R329*.
Identifiers: ClinVar variation 30760 (VCV000030760.17), dbSNP rs201391050, ClinGen allele CA259900.
Genomic context (GRCh38, chr6:135,457,660, plus strand): 5'-TGTAAACTCCCAAGACAAGGTCATCATCAAGCAAACATTTGGGATAAACCGGGCTATCTC[G>A]GCTTGTTATTTCATGAACACCATCACCATCAACATCTTCATTATTATCTGCAACTACACG-3'